The following is an entry in ClinVar:

NM_018068.5(PIWIL2):c.1688T>C (p.Ile563Thr)

Gene: PIWIL2 (piwi like RNA-mediated gene silencing 2; plus strand). Cytogenetic location: 8p21.3.
Variant type: single nucleotide variant.
Coding change: c.1688T>C on transcript NM_018068.5 (MANE Select); coding-DNA position 1688, T replaced by C.
Protein change: p.Ile563Thr; replaces isoleucine 563 with threonine.
Molecular consequence: missense variant.
Genome position (GRCh38, 1-based): chr8:22,309,962, T>C. VCF-style: chr8-22309962-T-C. GRCh37 (hg19) VCF-style: chr8-22167475-T-C.
Other names: c.1688T>C, p.Ile563Thr (NM_001135721.3, NM_001330480.2); short protein forms I563T.
Identifiers: ClinVar variation 2658466 (VCV002658466.24), dbSNP rs139133214, ClinGen allele CA4666798.

ClinVar aggregate classification (germline): Uncertain significance (1 of 4 stars; one submission).

Allele frequency attached by ClinVar (database versions not stated): gnomAD 0.00009; TOPMed 0.00009; ExAC 0.00013; gnomAD exomes 0.00014; ESP Exome Variant Server 0.00015.
gnomAD v4.1: 210 of 1,573,380 alleles (0.013%); highest among the groups gnomAD compares: Non-Finnish European, 0.017%; no homozygotes.

Submission:

CeGaT Center for Human Genetics Tuebingen
Classification: Uncertain significance. Last evaluated: 2023-08-01. Review status: criteria provided, single submitter. Criteria: CeGaT Center For Human Genetics Tuebingen Variant Classification Criteria Version 2. Collection method: clinical testing. Allele origin: germline. Affected: yes. Observed: 1 variant allele.
Comment: PIWIL2: PM2:Supporting